The following is an entry in ClinVar:

NM_198880.3(QRICH1):c.2005C>T (p.Arg669Trp)

Gene: QRICH1 (glutamine rich 1; minus strand). Cytogenetic location: 3p21.31.
Variant type: single nucleotide variant.
Coding change: c.2005C>T on transcript NM_198880.3 (MANE Select); coding-DNA position 2005, C replaced by T.
Protein change: p.Arg669Trp; replaces arginine 669 with tryptophan.
Molecular consequence: missense variant.
Genome position (GRCh38, 1-based): chr3:49,032,664, G>A on the plus strand (C>T on the coding strand, the complement: QRICH1 is on the minus strand). VCF-style: chr3-49032664-G-A. GRCh37 (hg19) VCF-style: chr3-49070097-G-A.
Other names: c.2005C>T, p.Arg669Trp (NM_001320580.2, NM_001320581.2, NM_001320582.2 and 4 more transcripts); short protein forms R669W.
Identifiers: ClinVar variation 1706658 (VCV001706658.2), dbSNP rs2471648702, ClinGen allele CA352752950.

ClinVar aggregate classification (germline): Uncertain significance (1 of 4 stars; one submission).

gnomAD v4.1: 1 of 1,611,070 alleles (0.000062%); no homozygotes.

Submission:

GeneDx
Classification: Uncertain significance. Last evaluated: 2022-03-26. Review status: criteria provided, single submitter. Criteria: GeneDx Variant Classification Process June 2021. Collection method: clinical testing. Allele origin: germline. Affected: yes.
Comment: Not observed at significant frequency in large population cohorts (gnomAD); In silico analysis supports that this missense variant has a deleterious effect on protein structure/function; Has not been previously published as pathogenic or benign to our knowledge